The following is an entry in ClinVar:

ClinVar aggregate classification (germline): Uncertain significance (1 of 4 stars; one submission).

gnomAD v4.1: 1 of 1,211,272 alleles (0.000083%); no homozygotes.

Submission:

Labcorp Genetics (formerly Invitae), Labcorp
Classification: Uncertain significance. Last evaluated: 2021-06-28. Review status: criteria provided, single submitter. Criteria: Invitae Variant Classification Sherloc (09022015). Collection method: clinical testing. Allele origin: germline.
Comment: This variant is not present in population databases (ExAC no frequency). This variant has not been reported in the literature in individuals affected with DRP2-related conditions. Algorithms developed to predict the effect of missense changes on protein structure and function are either unavailable or do not agree on the potential impact of this missense change (SIFT: "Deleterious"; PolyPhen-2: "Possibly Damaging"; Align-GVGD: "Class C15"). Nucleotide substitutions within the consensus splice site are a relatively common cause of aberrant splicing (PMID: 17576681, 9536098). In summary, the available evidence is currently insufficient to determine the role of this variant in disease. Therefore, it has been classified as a Variant of Uncertain Significance. This sequence change replaces aspartic acid with asparagine at codon 917 of the DRP2 protein (p.Asp917Asn). The aspartic acid residue is highly conserved and there is a small physicochemical difference between aspartic acid and asparagine. This variant also falls at the last nucleotide of exon 23, which is part of the consensus splice site for this exon.

Literature cited by the submitters: PubMed 17576681; PubMed 9536098.

NM_001939.3(DRP2):c.2749G>A (p.Asp917Asn)

Gene: DRP2 (dystrophin related protein 2; plus strand). Cytogenetic location: Xq22.1.
Variant type: single nucleotide variant.
Coding change: c.2749G>A on transcript NM_001939.3 (MANE Select); coding-DNA position 2749, G replaced by A.
Protein change: p.Asp917Asn; replaces aspartic acid 917 with asparagine.
Molecular consequence: missense variant.
Genome position (GRCh38, 1-based): chrX:101,260,169, G>A. VCF-style: chrX-101260169-G-A. GRCh37 (hg19) VCF-style: chrX-100515158-G-A.
Other names: c.2515G>A, p.Asp839Asn (NM_001171184.2); short protein forms D917N, D839N.
Identifiers: ClinVar variation 1516311 (VCV001516311.6), dbSNP rs2147356106, ClinGen allele CA413914312.
Genomic context (GRCh38, chrX:101,260,169, plus strand): 5'-CAGTCAGAAGGCAGTCACCCCCGGGAGAAGGGACAGACTACTCCAGATACCGAGGCTGCA[G>A]GTGAGTTCCCCTGGCCTTTCCCAGCCCCTTTCTCCATGGCTTTGTCCTGCCCTCGATTTC-3'
Protein context (NP_001930.2, residues 907-927): GQTTPDTEAA[Asp917Asn]DVGSKSQDVS